The following is an entry in ClinVar:

ClinVar aggregate classification (germline): Conflicting classifications of pathogenicity. Review status: criteria provided, conflicting classifications (1 of 4 stars). 3 submissions from 3 submitters: Uncertain significance (2); Benign (1). Last evaluated 2025-10-31.

Conditions:
Primary ciliary dyskinesia. Also called: Ciliary dyskinesia. Identifiers: Orphanet 244, MedGen C0008780, MONDO:0016575, HP:0012265.

Allele frequency attached by ClinVar (database versions not stated): ExAC 0.00012; 1000 Genomes Project 30x 0.00031.
gnomAD v4.1: 210 of 1,598,616 alleles (0.013%); highest among the groups gnomAD compares: South Asian, 0.033%; 1 homozygote.

Submissions (3):

Labcorp Genetics (formerly Invitae), Labcorp
Classification: Benign for Primary ciliary dyskinesia. Last evaluated: 2025-10-31. Review status: criteria provided, single submitter. Criteria: Invitae Variant Classification Sherloc (09022015). Collection method: clinical testing. Allele origin: germline.

GeneDx
Classification: Uncertain significance. Last evaluated: 2023-05-10. Review status: criteria provided, single submitter. Criteria: GeneDx Variant Classification Process June 2021. Collection method: clinical testing. Allele origin: germline. Affected: yes.
Comment: Reported as a variant of uncertain significance in a cohort of patients with chronic or frequent respiratory infections (Alsamri et al., 2021); Identified in an individual with VACTERL-like phenotype who also harbored variants in multiple other genes associated with cardiovascular development (Ritter et al., 2022); In silico analysis supports that this missense variant has a deleterious effect on protein structure/function; This variant is associated with the following publications: (PMID: 34823266, 34768622)

Ambry Genetics
Classification: Uncertain significance for Primary ciliary dyskinesia. Last evaluated: 2022-06-30. Review status: criteria provided, single submitter. Criteria: Ambry Variant Classification Scheme 2023. Collection method: clinical testing. Allele origin: germline.

NM_001277115.2(DNAH11):c.7729G>A (p.Asp2577Asn)

Gene: DNAH11 (dynein axonemal heavy chain 11; plus strand). Cytogenetic location: 7p15.3.
Variant type: single nucleotide variant.
Coding change: c.7729G>A on transcript NM_001277115.2 (MANE Select); coding-DNA position 7729, G replaced by A.
Protein change: p.Asp2577Asn; replaces aspartic acid 2577 with asparagine.
Molecular consequence: missense variant.
Genome position (GRCh38, 1-based): chr7:21,738,784, G>A. VCF-style: chr7-21738784-G-A. GRCh37 (hg19) VCF-style: chr7-21778402-G-A.
Other names: c.7750G>A, p.Asp2584Asn (NM_003777.3); c.7729G>A (NM_001277115.1); short protein forms D2584N, D2577N.
Identifiers: ClinVar variation 2140399 (VCV002140399.6), dbSNP rs770532527, ClinGen allele CA4181334.